The following is an entry in ClinVar:

NM_006060.6(IKZF1):c.289A>G (p.Arg97Gly)

Gene: IKZF1 (IKAROS family zinc finger 1; plus strand). Cytogenetic location: 7p12.2.
Variant type: single nucleotide variant.
Coding change: c.289A>G on transcript NM_006060.6 (MANE Select); coding-DNA position 289, A replaced by G.
Protein change: p.Arg97Gly; replaces arginine 97 with glycine.
Molecular consequence: missense variant. On other transcripts: intron variant (9).
Genome position (GRCh38, 1-based): chr7:50,376,661, A>G. VCF-style: chr7-50376661-A-G. GRCh37 (hg19) VCF-style: chr7-50444359-A-G.
Other names: c.289A>G, p.Arg97Gly (NM_001220765.3, NM_001220768.2, NM_001220771.2 and 1 more transcripts); c.349A>G, p.Arg117Gly (NM_001410879.1); c.161-5879A>G (NM_001291839.2, NM_001291838.2, NM_001220767.2 and 1 more transcripts); c.161-10684A>G (NM_001291841.1, NM_001291842.1); c.161-15068A>G (NM_001291843.1, NM_001291844.1); c.161-23257A>G (NM_001291840.1); short protein forms R117G, R97G.
Identifiers: ClinVar variation 2699992 (VCV002699992.3), dbSNP rs1810372257, ClinGen allele CA367527471.

ClinVar aggregate classification (germline): Uncertain significance (1 of 4 stars; one submission).

Allele frequency attached by ClinVar (database versions not stated): TOPMed below 0.00001.

Submission:

Labcorp Genetics (formerly Invitae), Labcorp
Classification: Uncertain significance. Last evaluated: 2023-12-01. Review status: criteria provided, single submitter. Criteria: Invitae Variant Classification Sherloc (09022015). Collection method: clinical testing. Allele origin: germline.
Comment: This sequence change replaces arginine, which is basic and polar, with glycine, which is neutral and non-polar, at codon 97 of the IKZF1 protein (p.Arg97Gly). This variant is not present in population databases (gnomAD no frequency). This variant has not been reported in the literature in individuals affected with IKZF1-related conditions. Algorithms developed to predict the effect of missense changes on protein structure and function output the following: SIFT: "Not Available"; PolyPhen-2: "Benign"; Align-GVGD: "Not Available". The glycine amino acid residue is found in multiple mammalian species, which suggests that this missense change does not adversely affect protein function. In summary, the available evidence is currently insufficient to determine the role of this variant in disease. Therefore, it has been classified as a Variant of Uncertain Significance.